The following is an entry in ClinVar:

NM_004218.4(RAB11B):c.220C>A (p.Arg74Ser)

Gene: RAB11B (RAB11B, member RAS oncogene family; plus strand). Cytogenetic location: 19p13.2.
Variant type: single nucleotide variant.
Coding change: c.220C>A on transcript NM_004218.4 (MANE Select); coding-DNA position 220, C replaced by A.
Protein change: p.Arg74Ser; replaces arginine 74 with serine.
Molecular consequence: missense variant.
Genome position (GRCh38, 1-based): chr19:8,400,042, C>A. VCF-style: chr19-8400042-C-A. GRCh37 (hg19) VCF-style: chr19-8464926-C-A.
Other names: short protein forms R74S.
Identifiers: ClinVar variation 4689986 (VCV004689986.1).

ClinVar aggregate classification (germline): Uncertain significance (1 of 4 stars; one submission).

Submission:

GeneDx
Classification: Uncertain significance. Last evaluated: 2025-07-31. Review status: criteria provided, single submitter. Criteria: GeneDx Variant Classification Process June 2021. Collection method: clinical testing. Allele origin: germline. Affected: yes.
Comment: Not observed at significant frequency in large population cohorts (gnomAD); In silico analysis supports that this missense variant has a deleterious effect on protein structure/function; Has not been previously published as pathogenic or benign to our knowledge